The following is an entry in ClinVar:

NM_001376.5(DYNC1H1):c.12142G>A (p.Gly4048Ser)

Gene: DYNC1H1 (dynein cytoplasmic 1 heavy chain 1; plus strand). Cytogenetic location: 14q32.31.
Variant type: single nucleotide variant.
Coding change: c.12142G>A on transcript NM_001376.5 (MANE Select); coding-DNA position 12142, G replaced by A.
Protein change: p.Gly4048Ser; replaces glycine 4048 with serine.
Molecular consequence: missense variant.
Genome position (GRCh38, 1-based): chr14:102,042,052, G>A. VCF-style: chr14-102042052-G-A. GRCh37 (hg19) VCF-style: chr14-102508389-G-A.
Other names: short protein forms G4048S.
Identifiers: ClinVar variation 1312435 (VCV001312435.2), dbSNP rs768196646, ClinGen allele CA7353842.

ClinVar aggregate classification (germline): Uncertain significance (1 of 4 stars; one submission).

Allele frequency attached by ClinVar (database versions not stated): gnomAD exomes below 0.00001; TOPMed below 0.00001; ExAC 0.00001; gnomAD 0.00001.
gnomAD v4.1: 2 of 1,613,986 alleles (0.00012%); highest among the groups gnomAD compares: African/African-American, 0.0013%; no homozygotes.

Submission:

GeneDx
Classification: Uncertain significance. Last evaluated: 2019-09-16. Review status: criteria provided, single submitter. Criteria: GeneDx Variant Classification Process June 2021. Collection method: clinical testing. Allele origin: germline. Affected: yes.
Comment: In silico analysis, which includes protein predictors and evolutionary conservation, supports a deleterious effect; Has not been previously published as pathogenic or benign to our knowledge